The following is an entry in ClinVar:

ClinVar aggregate classification (germline): Uncertain significance. Review status: criteria provided, multiple submitters, no conflicts (2 of 4 stars). 2 submissions from 2 submitters: Uncertain significance (2). Last evaluated 2025-02-07.

gnomAD v4.1: 16 of 1,595,890 alleles (0.001%); highest among the groups gnomAD compares: African/African-American, 0.0041%; no homozygotes.

Submissions (2):

Labcorp Genetics (formerly Invitae), Labcorp
Classification: Uncertain significance. Last evaluated: 2025-02-07. Review status: criteria provided, single submitter. Criteria: Invitae Variant Classification Sherloc (09022015). Collection method: clinical testing. Allele origin: germline.
Comment: This sequence change replaces threonine, which is neutral and polar, with methionine, which is neutral and non-polar, at codon 265 of the ATRIP protein (p.Thr265Met). The frequency data for this variant in the population databases is considered unreliable, as metrics indicate poor data quality at this position in the gnomAD database. This variant has not been reported in the literature in individuals affected with ATRIP-related conditions. ClinVar contains an entry for this variant (Variation ID: 3464116). An algorithm developed to predict the effect of missense changes on protein structure and function (PolyPhen-2) suggests that this variant is likely to be disruptive. In summary, the available evidence is currently insufficient to determine the role of this variant in disease. Therefore, it has been classified as a Variant of Uncertain Significance.

Ambry Genetics
Classification: Uncertain significance. Last evaluated: 2024-11-20. Review status: criteria provided, single submitter. Criteria: Ambry Variant Classification Scheme 2023. Collection method: clinical testing. Allele origin: germline.
Comment: The p.T265M variant (also known as c.794C>T), located in coding exon 5 of the ATRIP gene, results from a C to T substitution at nucleotide position 794. The threonine at codon 265 is replaced by methionine, an amino acid with similar properties. This amino acid position is conserved. In addition, this alteration is predicted to be tolerated by in silico analysis. Based on the available evidence, the clinical significance of this variant remains unclear.

NM_130384.3(ATRIP):c.794C>T (p.Thr265Met)

Genes: ATRIP (ATR interacting protein; plus strand), ATRIP-TREX1 (ATRIP-TREX1 readthrough; plus strand). Cytogenetic location: 3p21.31.
Variant type: single nucleotide variant.
Coding change: c.794C>T on transcript NM_130384.3 (MANE Select); coding-DNA position 794, C replaced by T.
Protein change: p.Thr265Met; replaces threonine 265 with methionine.
Molecular consequence: missense variant. On other transcripts: non-coding transcript variant (1).
Genome position (GRCh38, 1-based): chr3:48,457,381, C>T. VCF-style: chr3-48457381-C-T. GRCh37 (hg19) VCF-style: chr3-48498781-C-T.
Other names: c.413C>T, p.Thr138Met (NM_001271022.2); c.515C>T, p.Thr172Met (NM_001271023.2); c.794C>T, p.Thr265Met (NM_032166.4); short protein forms T265M, T138M, T172M.
Identifiers: ClinVar variation 3464116 (VCV003464116.2).